The following is an entry in ClinVar:

NM_139321.3(ATRN):c.379G>T (p.Glu127Ter)

Gene: ATRN (attractin; plus strand). Cytogenetic location: 20p13.
Variant type: single nucleotide variant.
Coding change: c.379G>T on transcript NM_139321.3 (MANE Select); coding-DNA position 379, G replaced by T.
Protein change: p.Glu127Ter; replaces glutamic acid 127 with a stop codon.
Molecular consequence: nonsense. On other transcripts: intron variant (1).
Genome position (GRCh38, 1-based): chr20:3,471,486, G>T. VCF-style: chr20-3471486-G-T. GRCh37 (hg19) VCF-style: chr20-3452133-G-T.
Other names: c.379G>T, p.Glu127Ter (NM_001323332.2, NM_139322.4); c.62+352G>T (NM_001207047.3); short protein forms E127*.
Identifiers: ClinVar variation 2631059 (VCV002631059.1), dbSNP rs2514330902, ClinGen allele CA408252198.

ClinVar aggregate classification (germline): Uncertain significance (1 of 4 stars; one submission).

Conditions:
ATRN-related disorder. Also called: ATRN-related condition.

gnomAD v4.1: 1 of 1,410,822 alleles (0.000071%); highest among the groups gnomAD compares: South Asian, 0.0016%; no homozygotes.

Submission:

PreventionGenetics, part of Exact Sciences
Classification: Uncertain significance for ATRN-related condition. Last evaluated: 2023-09-15. Review status: criteria provided, single submitter. Criteria: ACMG Guidelines, 2015. Collection method: clinical testing. Allele origin: germline.
Comment: The ATRN c.379G>T variant is predicted to result in premature protein termination (p.Glu127*). To our knowledge, this variant has not been reported in the literature or in a large population database, indicating this variant is rare. Loss of function is not a conclusively established mechanism for ATRN-related disease (Human Gene Mutation Database). At this time, the clinical significance of this variant is uncertain due to the absence of conclusive functional and genetic evidence.